The following is an entry in ClinVar:

ClinVar aggregate classification (germline): Uncertain significance. Review status: criteria provided, multiple submitters, no conflicts (2 of 4 stars). 3 submissions from 3 submitters: Uncertain significance (3). Last evaluated 2023-07-27.

Conditions:
Eichsfeld type congenital muscular dystrophy (CMYO3). Also called: Rigid spine muscular dystrophy 1; MYOPATHY, SEPN1-RELATED; SELENON-related myopathy; Congenital myopathy 3 with rigid spine. Identifiers: MedGen C0410180, MONDO:0100100, OMIM 602771.

Allele frequency attached by ClinVar (database versions not stated): gnomAD exomes 0.00002.

Submissions (3):

GeneDx
Classification: Uncertain significance. Last evaluated: 2023-07-27. Review status: criteria provided, single submitter. Criteria: GeneDx Variant Classification Process June 2021. Collection method: clinical testing. Allele origin: germline. Affected: yes.
Comment: Not observed at significant frequency in large population cohorts (gnomAD); In silico analysis supports that this missense variant does not alter protein structure/function; Has not been previously published as pathogenic or benign to our knowledge

Labcorp Genetics (formerly Invitae), Labcorp
Classification: Uncertain significance for Eichsfeld type congenital muscular dystrophy. Last evaluated: 2022-07-12. Review status: criteria provided, single submitter. Criteria: Invitae Variant Classification Sherloc (09022015). Collection method: clinical testing. Allele origin: germline.
Comment: This sequence change replaces serine, which is neutral and polar, with threonine, which is neutral and polar, at codon 350 of the SELENON protein (p.Ser350Thr). This variant is not present in population databases (gnomAD no frequency). In summary, the available evidence is currently insufficient to determine the role of this variant in disease. Therefore, it has been classified as a Variant of Uncertain Significance. This variant has not been reported in the literature in individuals affected with SELENON-related conditions. ClinVar contains an entry for this variant (Variation ID: 1371455). Algorithms developed to predict the effect of missense changes on protein structure and function are either unavailable or do not agree on the potential impact of this missense change (SIFT: "Deleterious"; PolyPhen-2: "Benign"; Align-GVGD: "Class C55").

CeGaT Center for Human Genetics Tuebingen
Classification: Uncertain significance. Last evaluated: 2022-02-01. Review status: criteria provided, single submitter. Criteria: CeGaT Center For Human Genetics Tuebingen Variant Classification Criteria Version 2. Collection method: clinical testing. Allele origin: germline. Affected: yes. Observed: 1 variant allele.

NM_206926.2(SELENON):c.947G>C (p.Ser316Thr)

Gene: SELENON (selenoprotein N; plus strand). Cytogenetic location: 1p36.11.
Variant type: single nucleotide variant.
Coding change: c.947G>C on transcript NM_206926.2 (MANE Select); coding-DNA position 947, G replaced by C.
Protein change: p.Ser316Thr; replaces serine 316 with threonine.
Molecular consequence: missense variant.
Genome position (GRCh38, 1-based): chr1:25,811,492, G>C. VCF-style: chr1-25811492-G-C. GRCh37 (hg19) VCF-style: chr1-26137983-G-C.
Other names: c.1049G>C, p.Ser350Thr (NM_020451.3); c.1049G>C (NM_020451.2); short protein forms S316T, S350T.
Identifiers: ClinVar variation 1371455 (VCV001371455.40), dbSNP rs777864718, ClinGen allele CA339116334.